The following is an entry in ClinVar:

NM_021619.3(PRDM12):c.422A>G (p.Asn141Ser)

Gene: PRDM12 (PR/SET domain 12; plus strand). Cytogenetic location: 9q34.12.
Variant type: single nucleotide variant.
Coding change: c.422A>G on transcript NM_021619.3 (MANE Select); coding-DNA position 422, A replaced by G.
Protein change: p.Asn141Ser; replaces asparagine 141 with serine.
Molecular consequence: missense variant.
Genome position (GRCh38, 1-based): chr9:130,668,165, A>G. VCF-style: chr9-130668165-A-G. GRCh37 (hg19) VCF-style: chr9-133543552-A-G.
Other names: short protein forms N141S.
Identifiers: ClinVar variation 1310041 (VCV001310041.11), dbSNP rs572272341, ClinGen allele CA5284534.

ClinVar aggregate classification (germline): Uncertain significance. Review status: criteria provided, multiple submitters, no conflicts (2 of 4 stars). 5 submissions from 5 submitters: Uncertain significance (5). Last evaluated 2026-03-05.

Conditions:
PRDM12-related disorder. Also called: PRDM12-related condition.
Inborn genetic diseases. Identifiers: MedGen C0950123, MeSH D030342.
Congenital insensitivity to pain-hypohidrosis syndrome. Also called: HSAN VIII; Neuropathy, hereditary sensory and autonomic, type VIII. Identifiers: Orphanet 478664, MedGen C4225308, MONDO:0014662, OMIM 616488.

Allele frequency attached by ClinVar (database versions not stated): ExAC 0.00004; gnomAD 0.00004; gnomAD exomes 0.00007 and 0.00008; TOPMed 0.00012; 1000 Genomes Project 30x 0.00016; 1000 Genomes Project 0.00020.
gnomAD v4.1: 117 of 1,614,128 alleles (0.0072%); highest among the groups gnomAD compares: Admixed American, 0.02%; no homozygotes.

Submissions (5):

PreventionGenetics, part of Exact Sciences
Classification: Uncertain significance for PRDM12-related condition. Last evaluated: 2026-03-05. Review status: criteria provided, single submitter. Criteria: ACMG Guidelines, 2015. Collection method: clinical testing. Allele origin: germline.
Comment: The PRDM12 c.422A>G variant is predicted to result in the amino acid substitution p.Asn141Ser. To our knowledge, this variant has not been reported in the literature. This variant is reported in 0.023% of alleles in individuals of Latino descent in gnomAD. At this time, the clinical significance of this variant is uncertain due to the absence of conclusive functional and genetic evidence.

Ambry Genetics
Classification: Uncertain significance for Inborn genetic diseases. Last evaluated: 2025-02-02. Review status: criteria provided, single submitter. Criteria: Ambry Variant Classification Scheme 2023. Collection method: clinical testing. Allele origin: germline.

Labcorp Genetics (formerly Invitae), Labcorp
Classification: Uncertain significance for Congenital insensitivity to pain-hypohidrosis syndrome. Last evaluated: 2022-07-08. Review status: criteria provided, single submitter. Criteria: Invitae Variant Classification Sherloc (09022015). Collection method: clinical testing. Allele origin: germline.
Comment: This sequence change replaces asparagine, which is neutral and polar, with serine, which is neutral and polar, at codon 141 of the PRDM12 protein (p.Asn141Ser). This variant is present in population databases (rs572272341, gnomAD 0.02%). This variant has not been reported in the literature in individuals affected with PRDM12-related conditions. ClinVar contains an entry for this variant (Variation ID: 1310041). Algorithms developed to predict the effect of missense changes on protein structure and function are either unavailable or do not agree on the potential impact of this missense change (SIFT: "Deleterious"; PolyPhen-2: "Benign"; Align-GVGD: "Class C0"). Algorithms developed to predict the effect of sequence changes on RNA splicing suggest that this variant may create or strengthen a splice site. In summary, the available evidence is currently insufficient to determine the role of this variant in disease. Therefore, it has been classified as a Variant of Uncertain Significance.

GeneDx
Classification: Uncertain significance. Last evaluated: 2019-11-08. Review status: criteria provided, single submitter. Criteria: GeneDx Variant Classification Process June 2021. Collection method: clinical testing. Allele origin: germline. Affected: yes.
Comment: In silico analysis, which includes protein predictors and evolutionary conservation, supports that this variant does not alter protein structure/function; Has not been previously published as pathogenic or benign to our knowledge; In-silico analysis, which includes splice predictors and evolutionary conservation, is inconclusive as to whether the variant alters gene splicing. In the absence of RNA/functional studies, the actual effect of this sequence change is unknown.

Breakthrough Genomics
Classification: Uncertain significance. Review status: criteria provided, single submitter. Criteria: ACMG Guidelines, 2015. Collection method: not provided. Allele origin: germline. Inheritance: Autosomal recessive inheritance. Affected: yes.